The following is an entry in ClinVar:

ClinVar aggregate classification (germline): Uncertain significance (1 of 4 stars; one submission).

Conditions:
Spastic paraplegia. Identifiers: MedGen C0037772, HP:0001258.

Submission:

Labcorp Genetics (formerly Invitae), Labcorp
Classification: Uncertain significance for Spastic paraplegia. Last evaluated: 2025-12-26. Review status: criteria provided, single submitter. Criteria: Invitae Variant Classification Sherloc (09022015). Collection method: clinical testing. Allele origin: germline.
Comment: This sequence change replaces phenylalanine, which is neutral and non-polar, with leucine, which is neutral and non-polar, at codon 122 of the B4GALNT1 protein (p.Phe122Leu). This variant is not present in population databases (gnomAD no frequency). This variant has not been reported in the literature in individuals affected with B4GALNT1-related conditions. Invitae Evidence Modeling of protein sequence and biophysical properties (such as structural, functional, and spatial information, amino acid conservation, physicochemical variation, residue mobility, and thermodynamic stability) indicates that this missense variant is not expected to disrupt B4GALNT1 protein function with a negative predictive value of 80%. In summary, the available evidence is currently insufficient to determine the role of this variant in disease. Therefore, it has been classified as a Variant of Uncertain Significance.

NM_001478.5(B4GALNT1):c.366C>G (p.Phe122Leu)

Gene: B4GALNT1 (beta-1,4-N-acetyl-galactosaminyltransferase 1; minus strand). Cytogenetic location: 12q13.3.
Variant type: single nucleotide variant.
Coding change: c.366C>G on transcript NM_001478.5 (MANE Select); coding-DNA position 366, C replaced by G.
Protein change: p.Phe122Leu; replaces phenylalanine 122 with leucine.
Molecular consequence: missense variant. On other transcripts: 5 prime UTR variant (4), intron variant (2).
Genome position (GRCh38, 1-based): chr12:57,631,217, G>C on the plus strand (C>G on the coding strand, the complement: B4GALNT1 is on the minus strand). VCF-style: chr12-57631217-G-C. GRCh37 (hg19) VCF-style: chr12-58025000-G-C.
Other names: c.366C>G, p.Phe122Leu (NM_001276469.2, NM_001413967.1, NM_001413968.1 and 9 more transcripts); c.-622C>G (NM_001413981.1, NM_001413982.1, NM_001413983.1 and 1 more transcripts); c.219-131C>G (NM_001413978.1, NM_001276468.2); short protein forms F122L.
Identifiers: ClinVar variation 4798324 (VCV004798324.1).